The following is an entry in ClinVar:

ClinVar aggregate classification (germline): Likely benign. Review status: criteria provided, multiple submitters, no conflicts (2 of 4 stars). 4 submissions from 4 submitters: Likely benign (4). Last evaluated 2026-01-13.

Conditions:
Aortic aneurysm, familial thoracic 4 (AAT4). Also called: AORTIC ANEURYSM/AORTIC DISSECTION AND PATENT DUCTUS ARTERIOSUS. Identifiers: MedGen C1851504, MONDO:0007568, OMIM 132900.
Familial thoracic aortic aneurysm and aortic dissection (TAAD). Also called: Thoracic aortic aneurysms and dissections. Identifiers: Orphanet 91387, MedGen C4707243, MONDO:0019625.

Allele frequency attached by ClinVar (database versions not stated): ExAC 0.00001; gnomAD exomes 0.00001; TOPMed 0.00002; gnomAD 0.00003.
gnomAD v4.1: 27 of 1,614,048 alleles (0.0017%); highest among the groups gnomAD compares: Non-Finnish European, 0.0022%; no homozygotes.

Submissions (4):

Labcorp Genetics (formerly Invitae), Labcorp
Classification: Likely benign for Aortic aneurysm, familial thoracic 4. Last evaluated: 2026-01-13. Review status: criteria provided, single submitter. Criteria: Invitae Variant Classification Sherloc (09022015). Collection method: clinical testing. Allele origin: germline.

All of Us Research Program, National Institutes of Health
Classification: Likely benign for Familial thoracic aortic aneurysm and aortic dissection. Last evaluated: 2023-11-30. Review status: criteria provided, single submitter. Criteria: ACMG Guidelines, 2015. Collection method: clinical testing. Allele origin: germline. Inheritance: Autosomal dominant inheritance. Observed: 3 variant alleles, 3 heterozygotes.
Comment: This study involves interpretation of variants in research participants for the purpose of population health screening. Participant phenotype was not available at the time of variant classification. Additional details can be found in publication PMID: 35346344, PMCID: PMC8962531

Ambry Genetics
Classification: Likely benign for Familial thoracic aortic aneurysm and aortic dissection. Last evaluated: 2021-11-28. Review status: criteria provided, single submitter. Criteria: Ambry Variant Classification Scheme 2023. Collection method: clinical testing. Allele origin: germline.

Color Diagnostics, LLC DBA Color Health
Classification: Likely benign for Familial thoracic aortic aneurysm and aortic dissection. Last evaluated: 2018-11-30. Review status: criteria provided, single submitter. Criteria: ACMG Guidelines, 2015. Collection method: clinical testing. Allele origin: germline.

NM_002474.3(MYH11):c.4536A>G (p.Glu1512=)

Genes: NDE1 (nudE neurodevelopment protein 1; plus strand), MYH11 (myosin heavy chain 11; minus strand). Cytogenetic location: 16p13.11.
Variant type: single nucleotide variant.
Coding change: c.4536A>G on transcript NM_002474.3 (MANE Select); coding-DNA position 4536, A replaced by G.
Protein change: p.Glu1512=; no amino-acid change (glutamic acid 1512 retained).
Molecular consequence: synonymous variant. On other transcripts: intron variant (2).
Genome position (GRCh38, 1-based): chr16:15,721,464, T>C on the plus strand (A>G on the coding strand, the complement: MYH11 is on the minus strand). VCF-style: chr16-15721464-T-C. GRCh37 (hg19) VCF-style: chr16-15815321-T-C.
Other names: c.4557A>G, p.Glu1519= (NM_001040113.2, NM_001040114.2); c.4536A>G, p.Glu1512= (NM_022844.3); c.948-2727T>C (NM_001143979.2, NM_017668.3).
Identifiers: ClinVar variation 697285 (VCV000697285.15), dbSNP rs771367057, ClinGen allele CA7921648.